The following is an entry in ClinVar:

ClinVar aggregate classification (germline): Pathogenic. Review status: reviewed by expert panel (3 of 4 stars). 5 submissions from 5 submitters: Pathogenic (1). 4 of the submissions do not count toward it. Last evaluated 2016-09-08.

Conditions:
Hereditary cancer-predisposing syndrome. Also called: Tumor predisposition; Hereditary neoplastic syndrome; Hereditary Cancer Syndrome; Neoplastic Syndromes, Hereditary. Identifiers: Orphanet 140162, MedGen C0027672, MeSH D009386, MONDO:0015356.
Hereditary breast ovarian cancer syndrome. Also called: Hereditary breast and/or ovarian cancer syndrome; Breast and ovarian cancer; Hereditary breast and ovarian cancer syndrome; Hereditary breast and ovarian cancer; Hereditary breast and ovarian cancer syndrome (HBOC); BRCA1- and BRCA2-Associated Hereditary Breast and Ovarian Cancer. Identifiers: Orphanet 145, MedGen C0677776, MeSH D061325, MONDO:0003582. Disease mechanism: loss of function.
Breast-ovarian cancer, familial, susceptibility to, 1 (BROVCA1). Also called: BRCA1 Hereditary Breast and Ovarian Cancer; OVARIAN CANCER, SUSCEPTIBILITY TO. Identifiers: Orphanet 145, MedGen C2676676, MONDO:0011450, OMIM 604370. Disease mechanism: loss of function.

Submissions (5):

Evidence-based Network for the Interpretation of Germline Mutant Alleles (ENIGMA)
Classification: Pathogenic for Breast-ovarian cancer, familial, susceptibility to, 1. Last evaluated: 2016-09-08. Review status: reviewed by expert panel. Criteria: ENIGMA BRCA1/2 Classification Criteria (2015). Collection method: curation. Allele origin: germline.
Comment: Variant allele predicted to encode a truncated non-functional protein.

Labcorp Genetics (formerly Invitae), Labcorp
Classification: Pathogenic for Hereditary breast ovarian cancer syndrome. Last evaluated: 2024-03-25. Review status: criteria provided, single submitter. Criteria: Invitae Variant Classification Sherloc (09022015). Collection method: clinical testing. Allele origin: germline. Not counted in ClinVar's aggregate classification.
Comment: This sequence change creates a premature translational stop signal (p.Ser377Lysfs*7) in the BRCA1 gene. It is expected to result in an absent or disrupted protein product. Loss-of-function variants in BRCA1 are known to be pathogenic (PMID: 20104584). This variant is not present in population databases (gnomAD no frequency). This variant has not been reported in the literature in individuals affected with BRCA1-related conditions. ClinVar contains an entry for this variant (Variation ID: 125488). For these reasons, this variant has been classified as Pathogenic.

Ambry Genetics
Classification: Pathogenic for Hereditary cancer-predisposing syndrome. Last evaluated: 2024-01-16. Review status: criteria provided, single submitter. Criteria: Ambry Variant Classification Scheme 2023. Collection method: clinical testing. Allele origin: germline. Not counted in ClinVar's aggregate classification.
Comment: The c.1129dupA pathogenic mutation, located in coding exon 9 of the BRCA1 gene, results from a duplication of A at nucleotide position 1129, causing a translational frameshift with a predicted alternate stop codon (p.S377Kfs*7). This alteration is expected to result in loss of function by premature protein truncation or nonsense-mediated mRNA decay. In addition, this variant is considered to be rare based on population cohorts in the Genome Aggregation Database (gnomAD). As such, this alteration is interpreted as a disease-causing mutation.

Consortium of Investigators of Modifiers of BRCA1/2 (CIMBA), c/o University of Cambridge
Classification: Pathogenic for Breast-ovarian cancer, familial, susceptibility to, 1. Last evaluated: 2015-10-02. Review status: criteria provided, single submitter. Criteria: CIMBA Mutation Classification guidelines May 2016. Collection method: clinical testing. Allele origin: germline. Not counted in ClinVar's aggregate classification.

Breast Cancer Information Core (BIC) (BRCA1)
Classification: Pathogenic for Breast-ovarian cancer, familial 1. Last evaluated: 2002-06-20. Review status: no assertion criteria provided. Collection method: clinical testing. Allele origin: germline. Affected: yes. Observed: 1 variant allele. Not counted in ClinVar's aggregate classification.

Literature cited by the submitters: PubMed 20104584 (cited by Labcorp Genetics (formerly Invitae), Labcorp).

NM_007294.4(BRCA1):c.1129dup (p.Ser377fs)

Gene: BRCA1 (BRCA1 DNA repair associated; minus strand). Cytogenetic location: 17q21.31.
Variant type: Duplication.
Coding change: c.1129dup on transcript NM_007294.4 (MANE Select); coding-DNA position 1129, one base duplicated (A; older notation c.1129dupA).
Protein change: p.Ser377fs; shifts the reading frame from serine 377.
Molecular consequence: frameshift variant. On other transcripts: intron variant (137).
Genome position (GRCh38, 1-based): chr17:43,094,402, T duplicated on the plus strand (A on the coding strand, the reverse complement: BRCA1 is on the minus strand). VCF-style (leftmost placement, unchanged base first): chr17-43094401-C-CT. GRCh37 (hg19) VCF-style: chr17-41246418-C-CT.
Other names: 1248insA; c.1129dupA (NM_007294.3); c.916dup, p.Ser306fs (NM_001407571.1, NM_001407853.1, NM_001407894.1 and 9 more transcripts); c.1129dup, p.Ser377fs (NM_001407581.1, NM_001407582.1, NM_001407583.1 and 30 more transcripts); c.1126dup, p.Ser376fs (NM_001407587.1, NM_001407590.1, NM_001407611.1 and 22 more transcripts); c.1120dup, p.Ser374fs (NM_001407646.1, NM_001407647.1); c.1006dup, p.Ser336fs (NM_001407648.1, NM_001407664.1, NM_001407665.1 and 19 more transcripts); c.1003dup, p.Ser335fs (NM_001407649.1, NM_001407670.1, NM_001407671.1 and 11 more transcripts); and 42 more; short protein forms S330fs, S377fs, S288fs, S81fs, S209fs, S266fs, S329fs, S336fs.
Identifiers: ClinVar variation 125488 (VCV000125488.8), dbSNP rs80357776, ClinGen allele CA000755.